The following is an entry in ClinVar:

ClinVar aggregate classification (germline): Conflicting classifications of pathogenicity. Review status: criteria provided, conflicting classifications (1 of 4 stars). 2 submissions from 2 submitters: Uncertain significance (1); Likely benign (1). Last evaluated 2026-01-07.

Conditions:
Tuberous sclerosis 1 (TSC1). Identifiers: Orphanet 805, MedGen C1854465, MONDO:0008612, OMIM 191100.
Hereditary cancer-predisposing syndrome. Also called: Tumor predisposition; Hereditary neoplastic syndrome; Neoplastic Syndromes, Hereditary; Hereditary Cancer Syndrome. Identifiers: Orphanet 140162, MedGen C0027672, MeSH D009386, MONDO:0015356.

Allele frequency attached by ClinVar (database versions not stated): TOPMed below 0.00001; gnomAD 0.00001; gnomAD exomes 0.00001.
gnomAD v4.1: 8 of 1,614,048 alleles (0.0005%); highest among the groups gnomAD compares: African/African-American, 0.0013%; no homozygotes.

Submissions (2):

Labcorp Genetics (formerly Invitae), Labcorp
Classification: Likely benign for Tuberous sclerosis 1. Last evaluated: 2026-01-07. Review status: criteria provided, single submitter. Criteria: Invitae Variant Classification Sherloc (09022015). Collection method: clinical testing. Allele origin: germline.

Ambry Genetics
Classification: Uncertain significance for Hereditary cancer-predisposing syndrome. Last evaluated: 2024-01-30. Review status: criteria provided, single submitter. Criteria: Ambry Variant Classification Scheme 2023. Collection method: clinical testing. Allele origin: germline.
Comment: The p.R288H variant (also known as c.863G>A), located in coding exon 7 of the TSC1 gene, results from a G to A substitution at nucleotide position 863. The arginine at codon 288 is replaced by histidine, an amino acid with highly similar properties. This amino acid position is well conserved in available vertebrate species. In addition, the in silico prediction for this alteration is inconclusive. Based on the available evidence, the clinical significance of this alteration remains unclear.

NM_000368.5(TSC1):c.863G>A (p.Arg288His)

Gene: TSC1 (TSC complex subunit 1; minus strand). Cytogenetic location: 9q34.13.
Variant type: single nucleotide variant.
Coding change: c.863G>A on transcript NM_000368.5 (MANE Select); coding-DNA position 863, G replaced by A.
Protein change: p.Arg288His; replaces arginine 288 with histidine.
Molecular consequence: missense variant.
Genome position (GRCh38, 1-based): chr9:132,912,332, C>T on the plus strand (G>A on the coding strand, the complement: TSC1 is on the minus strand). VCF-style: chr9-132912332-C-T. GRCh37 (hg19) VCF-style: chr9-135787719-C-T.
Other names: c.863G>A, p.Arg288His (NM_001162426.2); c.710G>A, p.Arg237His (NM_001162427.2); c.500G>A, p.Arg167His (NM_001362177.2); short protein forms R237H, R167H, R288H.
Identifiers: ClinVar variation 937474 (VCV000937474.8), dbSNP rs1424366444, ClinGen allele CA375369190.